The following is an entry in ClinVar:

NM_000156.6(GAMT):c.662G>A (p.Arg221His)

Gene: GAMT (guanidinoacetate N-methyltransferase; minus strand). Cytogenetic location: 19p13.3.
Variant type: single nucleotide variant.
Coding change: c.662G>A on transcript NM_000156.6 (MANE Select); coding-DNA position 662, G replaced by A.
Protein change: p.Arg221His; replaces arginine 221 with histidine.
Molecular consequence: missense variant.
Genome position (GRCh38, 1-based): chr19:1,397,408, C>T on the plus strand (G>A on the coding strand, the complement: GAMT is on the minus strand). VCF-style: chr19-1397408-C-T. GRCh37 (hg19) VCF-style: chr19-1397407-C-T.
Other names: short protein forms R221H.
Identifiers: ClinVar variation 544254 (VCV000544254.27), dbSNP rs766553422, ClinGen allele CA9043536.

ClinVar aggregate classification (germline): Uncertain significance. Review status: criteria provided, multiple submitters, no conflicts (2 of 4 stars). 6 submissions from 6 submitters: Uncertain significance (5). 1 of the submissions does not count toward it. Last evaluated 2024-11-01.

Conditions:
Inborn genetic diseases. Identifiers: MedGen C0950123, MeSH D030342.
Deficiency of guanidinoacetate methyltransferase (CCDS2). Also called: GAMT DEFICIENCY; CEREBRAL CREATINE DEFICIENCY SYNDROME 2; Guanidinoacetate Methyltransferase (GAMT) Deficiency. Identifiers: Orphanet 382, MedGen C0574080, MONDO:0012999, OMIM 612736.
Cerebral creatine deficiency syndrome. Also called: Creatine deficiency syndromes. Identifiers: Orphanet 79172, MedGen C5244016, MONDO:0000456.

Allele frequency attached by ClinVar (database versions not stated): ExAC 0.00003; gnomAD exomes 0.00003; TOPMed 0.00007; gnomAD 0.00009.
gnomAD v4.1: 60 of 1,611,700 alleles (0.0037%); highest among the groups gnomAD compares: African/African-American, 0.016%; no homozygotes.

Submissions (6):

CeGaT Center for Human Genetics Tuebingen
Classification: Uncertain significance. Last evaluated: 2024-11-01. Review status: criteria provided, single submitter. Criteria: CeGaT Center For Human Genetics Tuebingen Variant Classification Criteria Version 2. Collection method: clinical testing. Allele origin: germline. Affected: yes. Observed: 1 variant allele.
Comment: GAMT: PM2, PP3

Labcorp Genetics (formerly Invitae), Labcorp
Classification: Uncertain significance for Cerebral creatine deficiency syndrome. Last evaluated: 2024-01-24. Review status: criteria provided, single submitter. Criteria: Invitae Variant Classification Sherloc (09022015). Collection method: clinical testing. Allele origin: germline.
Comment: This sequence change replaces arginine, which is basic and polar, with histidine, which is basic and polar, at codon 221 of the GAMT protein (p.Arg221His). This variant is present in population databases (rs766553422, gnomAD 0.02%). This variant has not been reported in the literature in individuals affected with GAMT-related conditions. ClinVar contains an entry for this variant (Variation ID: 544254). Advanced modeling of protein sequence and biophysical properties (such as structural, functional, and spatial information, amino acid conservation, physicochemical variation, residue mobility, and thermodynamic stability) performed at Invitae indicates that this missense variant is not expected to disrupt GAMT protein function with a negative predictive value of 95%. In summary, the available evidence is currently insufficient to determine the role of this variant in disease. Therefore, it has been classified as a Variant of Uncertain Significance.

Ambry Genetics
Classification: Uncertain significance for Inborn genetic diseases. Last evaluated: 2023-06-02. Review status: criteria provided, single submitter. Criteria: Ambry Variant Classification Scheme 2023. Collection method: clinical testing. Allele origin: germline.

Center for Genomics, Ann and Robert H. Lurie Children's Hospital of Chicago
Classification: Uncertain significance for Deficiency of guanidinoacetate methyltransferase. Last evaluated: 2021-03-30. Review status: criteria provided, single submitter. Criteria: ACMG Guidelines, 2015. Collection method: clinical testing. Allele origin: germline.
Comment: GAMT NM_000156.5 exon 6 p.Arg221His (c.662G>A): This variant has not been reported in the literature and is present in 0.02% (5/23566) of African alleles in the Genome Aggregation Database. This variant is present in ClinVar (Variation ID:544254). Evolutionary conservation and computational predictive tools for this variant are unclear. In summary, data on this variant is insufficient for disease classification. Therefore, the clinical significance of this variant is uncertain.

Illumina Laboratory Services, Illumina
Classification: Uncertain significance for Deficiency of guanidinoacetate methyltransferase. Last evaluated: 2018-01-13. Review status: criteria provided, single submitter. Criteria: ICSL Variant Classification Criteria 13 December 2019. Collection method: clinical testing. Allele origin: germline.

Natera, Inc.
Classification: Uncertain significance for Guanidinoacetate methyltransferase deficiency. Last evaluated: 2020-01-17. Review status: no assertion criteria provided. Collection method: clinical testing. Allele origin: germline. Not counted in ClinVar's aggregate classification.